The following is an entry in ClinVar:

NM_024312.5(GNPTAB):c.27G>A (p.Gln9=)

Gene: GNPTAB (N-acetylglucosamine-1-phosphate transferase subunits alpha and beta; minus strand). Cytogenetic location: 12q23.2.
Variant type: single nucleotide variant.
Coding change: c.27G>A on transcript NM_024312.5 (MANE Select); coding-DNA position 27, G replaced by A.
Protein change: p.Gln9=; no amino-acid change (glutamine 9 retained).
Molecular consequence: synonymous variant.
Genome position (GRCh38, 1-based): chr12:101,830,649, C>T on the plus strand (G>A on the coding strand, the complement: GNPTAB is on the minus strand). VCF-style: chr12-101830649-C-T. GRCh37 (hg19) VCF-style: chr12-102224427-C-T.
Identifiers: ClinVar variation 167154 (VCV000167154.26), dbSNP rs222504, ClinGen allele CA180093.

ClinVar aggregate classification (germline): Benign. Review status: criteria provided, multiple submitters, no conflicts (2 of 4 stars). 10 submissions from 9 submitters: Benign (8). 2 of the submissions do not count toward it. Last evaluated 2026-02-04.

Conditions:
Mucolipidosis type II. Also called: Mucolipidosis II Alpha/Beta; ML II ALPHA/BETA; Mucolipidosis 2; ML 2; Inclusion cell disease; Leroy Disease. Identifiers: Orphanet 576, MedGen C2673377, MONDO:0009650, OMIM 252500.
Pseudo-Hurler polydystrophy. Also called: MUCOLIPIDOSIS IIIA; Type III Mucolipidosis; ML III; ML III ALPHA/BETA; ML IIIA; Mucolipidosis III Alpha/Beta. Identifiers: Orphanet 423461, Orphanet 577, MedGen C0033788, MONDO:0018931, OMIM 252600.

Allele frequency attached by ClinVar (database versions not stated): 1000 Genomes Project 0.05152; ESP Exome Variant Server 0.05082; 1000 Genomes Project 30x 0.05434; TOPMed 0.05330.
gnomAD v4.1: 14,279 of 1,610,828 alleles (0.89%); highest among the groups gnomAD compares: African/African-American, 16%; 1,038 homozygotes.

Submissions (10):

Labcorp Genetics (formerly Invitae), Labcorp
Classification: Benign for Pseudo-Hurler polydystrophy; Mucolipidosis type II. Last evaluated: 2026-02-04. Review status: criteria provided, single submitter. Criteria: Invitae Variant Classification Sherloc (09022015). Collection method: clinical testing. Allele origin: germline.

Women's Health and Genetics/Laboratory Corporation of America, LabCorp
Classification: Benign. Last evaluated: 2021-05-19. Review status: criteria provided, single submitter. Criteria: LabCorp Variant Classification Summary - May 2015. Collection method: clinical testing. Allele origin: germline.

GeneDx
Classification: Benign. Last evaluated: 2019-03-26. Review status: criteria provided, single submitter. Criteria: GeneDx Variant Classification Process June 2021. Collection method: clinical testing. Allele origin: germline. Affected: yes.

Illumina Laboratory Services, Illumina
Classification: Benign for Pseudo-Hurler polydystrophy. Last evaluated: 2018-01-13. Review status: criteria provided, single submitter. Criteria: ICSL Variant Classification Criteria 13 December 2019. Collection method: clinical testing. Allele origin: germline.
Comment: This variant was observed in the ICSL laboratory as part of a predisposition screen in an ostensibly healthy population. It had not been previously curated by ICSL or reported in the Human Gene Mutation Database (HGMD: prior to June 1st, 2018), and was therefore a candidate for classification through an automated scoring system. Utilizing variant allele frequency, disease prevalence and penetrance estimates, and inheritance mode, an automated score was calculated to assess if this variant is too frequent to cause the disease. Based on the score and internal cut-off values, a variant classified as benign is not then subjected to further curation. The score for this variant resulted in a classification of benign for this disease.

Illumina Laboratory Services, Illumina
Classification: Benign for Mucolipidosis type II. Last evaluated: 2018-01-13. Review status: criteria provided, single submitter. Criteria: ICSL Variant Classification Criteria 13 December 2019. Collection method: clinical testing. Allele origin: germline.
Comment: the same text as in the submission from Illumina Laboratory Services, Illumina above.

Eurofins Ntd Llc (ga)
Classification: Benign. Last evaluated: 2014-03-24. Review status: criteria provided, single submitter. Criteria: EGL Classification Definitions 2015. Collection method: clinical testing. Allele origin: germline. Observed: 2 variant alleles, 2 heterozygotes.

Breakthrough Genomics
Classification: Benign. Review status: criteria provided, single submitter. Criteria: ACMG Guidelines, 2015. Collection method: not provided. Allele origin: germline. Inheritance: Autosomal recessive inheritance. Affected: yes.

PreventionGenetics, part of Exact Sciences
Classification: Benign. Review status: criteria provided, single submitter. Criteria: ACMG Guidelines, 2015. Collection method: clinical testing. Allele origin: germline.

Natera, Inc.
Classification: Benign for Mucolipidosis type II. Last evaluated: 2020-09-16. Review status: no assertion criteria provided. Collection method: clinical testing. Allele origin: germline. Not counted in ClinVar's aggregate classification.

Mayo Clinic Laboratories, Mayo Clinic
Classification: Benign. Last evaluated: 2017-05-01. Review status: no assertion criteria provided. Collection method: clinical testing. Allele origin: unknown. Not counted in ClinVar's aggregate classification.